The following is an entry in ClinVar:

ClinVar aggregate classification (germline): Uncertain significance. Review status: criteria provided, multiple submitters, no conflicts (2 of 4 stars). 4 submissions from 4 submitters: Uncertain significance (4). Last evaluated 2025-06-20.

Conditions:
Chuvash polycythemia. Also called: POLYCYTHEMIA, VHL-DEPENDENT. Identifiers: Orphanet 238557, MedGen C1837915, MONDO:0009892, OMIM 263400.
Von Hippel-Lindau syndrome (VHLS). Also called: VHL syndrome; Von Hippel-Lindau; von Hippel–Lindau syndrome. Identifiers: Orphanet 892, MedGen C0019562, MONDO:0008667, OMIM 193300. Disease mechanism: loss of function.
Hereditary cancer-predisposing syndrome. Also called: Neoplastic Syndromes, Hereditary; Hereditary Cancer Syndrome; Hereditary neoplastic syndrome; Tumor predisposition. Identifiers: Orphanet 140162, MedGen C0027672, MeSH D009386, MONDO:0015356.

Allele frequency attached by ClinVar (database versions not stated): gnomAD exomes below 0.00001; TOPMed below 0.00001; gnomAD 0.00001.
gnomAD v4.1: 2 of 1,613,820 alleles (0.00012%); highest among the groups gnomAD compares: Non-Finnish European, 0.00017%; no homozygotes.

Submissions (4):

Color Diagnostics, LLC DBA Color Health
Classification: Uncertain significance for Von Hippel-Lindau syndrome. Last evaluated: 2025-06-20. Review status: criteria provided, single submitter. Criteria: ACMG Guidelines, 2015. Collection method: clinical testing. Allele origin: germline.
Comment: This variant causes a C to T nucleotide substitution at the -3 position of intron 2/2 of the VHL gene. To our knowledge, functional studies have not been reported for this variant. This variant has been reported in individuals affected with VHL Type 1 disease (PMID: 31087189). This variant has not been identified in the general population by the Genome Aggregation Database (gnomAD). The available evidence is insufficient to determine the role of this variant in disease conclusively. Therefore, this variant is classified as a Variant of Uncertain Significance.

Ambry Genetics
Classification: Uncertain significance for Hereditary cancer-predisposing syndrome. Last evaluated: 2025-04-13. Review status: criteria provided, single submitter. Criteria: Ambry Variant Classification Scheme 2023. Collection method: clinical testing. Allele origin: germline.
Comment: The c.464-3C>T intronic variant results from a C to T substitution 3 nucleotides upstream from coding exon 3 in the VHL gene. This nucleotide position is well conserved in available vertebrate species. In silico splice site analysis predicts that this alteration will not have any significant effect on splicing; however, direct evidence is insufficient at this time (Ambry internal data). Since supporting evidence is limited at this time, the clinical significance of this alteration remains unclear.

Labcorp Genetics (formerly Invitae), Labcorp
Classification: Uncertain significance for Von Hippel-Lindau syndrome; Chuvash polycythemia. Last evaluated: 2024-03-05. Review status: criteria provided, single submitter. Criteria: Invitae Variant Classification Sherloc (09022015). Collection method: clinical testing. Allele origin: germline.
Comment: This sequence change falls in intron 2 of the VHL gene. It does not directly change the encoded amino acid sequence of the VHL protein. It affects a nucleotide within the consensus splice site. This variant is not present in population databases (gnomAD no frequency). This variant has not been reported in the literature in individuals affected with VHL-related conditions. ClinVar contains an entry for this variant (Variation ID: 644549). Variants that disrupt the consensus splice site are a relatively common cause of aberrant splicing (PMID: 17576681, 9536098). Algorithms developed to predict the effect of sequence changes on RNA splicing suggest that this variant is not likely to affect RNA splicing. In summary, the available evidence is currently insufficient to determine the role of this variant in disease. Therefore, it has been classified as a Variant of Uncertain Significance.

GeneDx
Classification: Uncertain significance. Last evaluated: 2023-01-06. Review status: criteria provided, single submitter. Criteria: GeneDx Variant Classification Process June 2021. Collection method: clinical testing. Allele origin: germline. Affected: yes.
Comment: Not observed at significant frequency in large population cohorts (gnomAD); In silico analysis supports that this variant does not alter splicing; This variant is associated with the following publications: (PMID: 24132471)

Literature cited by the submitters: PubMed 31087189 (cited by Color Diagnostics, LLC DBA Color Health); PubMed 17576681 (cited by Labcorp Genetics (formerly Invitae), Labcorp); PubMed 9536098 (cited by Labcorp Genetics (formerly Invitae), Labcorp).

NM_000551.4(VHL):c.464-3C>T

Genes: VHL (von Hippel-Lindau tumor suppressor; plus strand), LOC107303340 (3p25 von Hippel-Lindau tumor suppressor, E3 ubiquitin protein ligase Alu-mediated recombination region; plus strand). Cytogenetic location: 3p25.3.
Variant type: single nucleotide variant.
Coding change: c.464-3C>T on transcript NM_000551.4 (MANE Select); 3 bases into the intron before coding-DNA position 464, C replaced by T.
Molecular consequence: intron variant.
Genome position (GRCh38, 1-based): chr3:10,149,784, C>T. VCF-style: chr3-10149784-C-T. GRCh37 (hg19) VCF-style: chr3-10191468-C-T.
Other names: c.*18-3C>T (NM_001354723.2); c.341-3C>T (NM_198156.3).
Identifiers: ClinVar variation 644549 (VCV000644549.16), dbSNP rs904414377, ClinGen allele CA70052134.